The following is an entry in ClinVar:

ClinVar aggregate classification (germline): Uncertain significance (1 of 4 stars; one submission).

Conditions:
Hereditary breast ovarian cancer syndrome. Also called: Hereditary breast and ovarian cancer syndrome; Hereditary breast and ovarian cancer syndrome (HBOC); BRCA1- and BRCA2-Associated Hereditary Breast and Ovarian Cancer; Hereditary breast and ovarian cancer; Hereditary breast and/or ovarian cancer syndrome; Breast and ovarian cancer. Identifiers: Orphanet 145, MedGen C0677776, MeSH D061325, MONDO:0003582. Disease mechanism: loss of function.

gnomAD v4.1: 1 of 1,613,778 alleles (0.000062%); highest among the groups gnomAD compares: Non-Finnish European, 0.000085%; no homozygotes.

Submission:

Labcorp Genetics (formerly Invitae), Labcorp
Classification: Uncertain significance for Hereditary breast ovarian cancer syndrome. Last evaluated: 2020-09-09. Review status: criteria provided, single submitter. Criteria: Invitae Variant Classification Sherloc (09022015). Collection method: clinical testing. Allele origin: germline.
Comment: This variant has not been reported in the literature in individuals with BRCA2-related conditions. In summary, the available evidence is currently insufficient to determine the role of this variant in disease. Therefore, it has been classified as a Variant of Uncertain Significance. Advanced modeling of protein sequence and biophysical properties (such as structural, functional, and spatial information, amino acid conservation, physicochemical variation, residue mobility, and thermodynamic stability) performed at Invitae indicates that this missense variant is not expected to disrupt BRCA2 protein function. This variant is not present in population databases (ExAC no frequency). This sequence change replaces alanine with threonine at codon 2928 of the BRCA2 protein (p.Ala2928Thr). The alanine residue is moderately conserved and there is a small physicochemical difference between alanine and threonine.

NM_000059.4(BRCA2):c.8782G>A (p.Ala2928Thr)

Gene: BRCA2 (BRCA2 DNA repair associated; plus strand). Cytogenetic location: 13q13.1.
Variant type: single nucleotide variant.
Coding change: c.8782G>A on transcript NM_000059.4 (MANE Select); coding-DNA position 8782, G replaced by A.
Protein change: p.Ala2928Thr; replaces alanine 2928 with threonine.
Molecular consequence: missense variant.
Genome position (GRCh38, 1-based): chr13:32,379,344, G>A. VCF-style: chr13-32379344-G-A. GRCh37 (hg19) VCF-style: chr13-32953481-G-A.
Other names: short protein forms A2928T.
Identifiers: ClinVar variation 1037304 (VCV001037304.9), dbSNP rs587781762, ClinGen allele CA387755862.